The following is an entry in ClinVar:

ClinVar aggregate classification (germline): Benign. Review status: criteria provided, multiple submitters, no conflicts (2 of 4 stars). 5 submissions from 5 submitters: Benign (5). Last evaluated 2026-02-04.

Conditions:
Retinitis pigmentosa (RP). Identifiers: Orphanet 791, MedGen C0035334, MeSH D012174, MONDO:0019200, OMIM 268000. Inheritance: Autosomal dominant, autosomal recessive and X linked inheritance.

Allele frequency attached by ClinVar (database versions not stated): ESP Exome Variant Server 0.12082; gnomAD 0.14829 and 0.15369; TOPMed 0.15223; gnomAD exomes 0.15999; ExAC 0.17699; 1000 Genomes Project 30x 0.19410; 1000 Genomes Project 0.19968.
gnomAD v4.1: 206,162 of 1,291,432 alleles (16%); highest among the groups gnomAD compares: East Asian, 42%; 15,664 homozygotes.

Submissions (5):

Labcorp Genetics (formerly Invitae), Labcorp
Classification: Benign. Last evaluated: 2026-02-04. Review status: criteria provided, single submitter. Criteria: Invitae Variant Classification Sherloc (09022015). Collection method: clinical testing. Allele origin: germline.

Illumina Laboratory Services, Illumina
Classification: Benign for Retinitis pigmentosa. Last evaluated: 2018-01-13. Review status: criteria provided, single submitter. Criteria: ICSL Variant Classification Criteria 13 December 2019. Collection method: clinical testing. Allele origin: germline.
Comment: This variant was observed in the ICSL laboratory as part of a predisposition screen in an ostensibly healthy population. It had not been previously curated by ICSL or reported in the Human Gene Mutation Database (HGMD: prior to June 1st, 2018), and was therefore a candidate for classification through an automated scoring system. Utilizing variant allele frequency, disease prevalence and penetrance estimates, and inheritance mode, an automated score was calculated to assess if this variant is too frequent to cause the disease. Based on the score and internal cut-off values, a variant classified as benign is not then subjected to further curation. The score for this variant resulted in a classification of benign for this disease.

GeneDx
Classification: Benign. Last evaluated: 2015-03-03. Review status: criteria provided, single submitter. Criteria: GeneDx Variant Classification Process June 2021. Collection method: clinical testing. Allele origin: germline. Affected: yes.

Eurofins Ntd Llc (ga)
Classification: Benign. Last evaluated: 2015-02-19. Review status: criteria provided, single submitter. Criteria: EGL Classification Definitions 2015. Collection method: clinical testing. Allele origin: germline. Observed: 28 variant alleles, 26 heterozygotes, 2 homozygotes.

Breakthrough Genomics
Classification: Benign. Review status: criteria provided, single submitter. Criteria: ACMG Guidelines, 2015. Collection method: not provided. Allele origin: germline. Inheritance: Unknown mechanism. Affected: yes.

NM_001379270.1(CNGA1):c.340G>A (p.Asp114Asn)

Genes: CNGA1 (cyclic nucleotide gated channel subunit alpha 1; minus strand), LOC101927157 (uncharacterized LOC101927157; plus strand). Cytogenetic location: 4p12.
Variant type: single nucleotide variant.
Coding change: c.340G>A on transcript NM_001379270.1 (MANE Select); coding-DNA position 340, G replaced by A.
Protein change: p.Asp114Asn; replaces aspartic acid 114 with asparagine.
Molecular consequence: missense variant.
Genome position (GRCh38, 1-based): chr4:47,943,278, C>T on the plus strand (G>A on the coding strand, the complement: CNGA1 is on the minus strand). VCF-style: chr4-47943278-C-T. GRCh37 (hg19) VCF-style: chr4-47945295-C-T.
Other names: c.340G>A, p.Asp114Asn (NM_000087.5, NM_001142564.2); short protein forms D114N.
Identifiers: ClinVar variation 166888 (VCV000166888.21), dbSNP rs28642966, ClinGen allele CA179889.
Genomic context (GRCh38, chr4:47,943,278, plus strand): 5'-TCTTCTCTTTGTCCTTTTTCTTCTTTTTCTTCTCTGGGTCGTTTTTATTTTCGTTTTTAT[C>T]ATCTGACTTGCTGAAAAAATTAAGCAAGTAGTATTAAAATACAGAAATGTTATGGGCAGA-3'
Protein context (NP_001366199.1, residues 104-124): KKKEKKSKSD[Asp114Asn]KNENKNDPEK